The following is an entry in ClinVar:

ClinVar aggregate classification (germline): Uncertain significance. Review status: criteria provided, multiple submitters, no conflicts (2 of 4 stars). 2 submissions from 2 submitters: Uncertain significance (2). Last evaluated 2023-12-06.

Conditions:
Focal segmental glomerulosclerosis 4, susceptibility to (FSGS4). Identifiers: Orphanet 84271, MedGen C2675525, MONDO:0012931, OMIM 612551.

Allele frequency attached by ClinVar (database versions not stated): 1000 Genomes Project 30x 0.00016.
gnomAD v4.1: 874 of 1,606,456 alleles (0.054%); highest among the groups gnomAD compares: Non-Finnish European, 0.071%; 1 homozygote.

Submissions (2):

Labcorp Genetics (formerly Invitae), Labcorp
Classification: Uncertain significance. Last evaluated: 2023-12-06. Review status: criteria provided, single submitter. Criteria: Invitae Variant Classification Sherloc (09022015). Collection method: clinical testing. Allele origin: germline.
Comment: This sequence change replaces alanine, which is neutral and non-polar, with glycine, which is neutral and non-polar, at codon 394 of the APOL1 protein (p.Ala394Gly). This variant is present in population databases (rs138178894, gnomAD 0.05%). This variant has not been reported in the literature in individuals affected with APOL1-related conditions. ClinVar contains an entry for this variant (Variation ID: 1413487). An algorithm developed to predict the effect of missense changes on protein structure and function (PolyPhen-2) suggests that this variant is likely to be disruptive. In summary, the available evidence is currently insufficient to determine the role of this variant in disease. Therefore, it has been classified as a Variant of Uncertain Significance.

Fulgent Genetics
Classification: Uncertain significance for Focal segmental glomerulosclerosis 4, susceptibility to. Last evaluated: 2021-10-20. Review status: criteria provided, single submitter. Criteria: ACMG Guidelines, 2015. Collection method: clinical testing. Allele origin: unknown.

NM_003661.4(APOL1):c.1181C>G (p.Ala394Gly)

Gene: APOL1 (apolipoprotein L1; plus strand). Cytogenetic location: 22q12.3.
Variant type: single nucleotide variant.
Coding change: c.1181C>G on transcript NM_003661.4 (MANE Select); coding-DNA position 1181, C replaced by G.
Protein change: p.Ala394Gly; replaces alanine 394 with glycine.
Molecular consequence: missense variant.
Genome position (GRCh38, 1-based): chr22:36,266,017, C>G. VCF-style: chr22-36266017-C-G. GRCh37 (hg19) VCF-style: chr22-36662063-C-G.
Other names: c.1181C>G, p.Ala394Gly (NM_001136540.2); c.1127C>G, p.Ala376Gly (NM_001136541.2, NM_001362927.2); c.1229C>G, p.Ala410Gly (NM_145343.3); short protein forms A394G, A376G, A410G.
Identifiers: ClinVar variation 1413487 (VCV001413487.7), dbSNP rs138178894, ClinGen allele CA10208854.